The following is an entry in ClinVar:

NM_001267550.2(TTN):c.39044-14T>C

Gene: TTN (titin; minus strand). Cytogenetic location: 2q31.2.
Variant type: single nucleotide variant.
Coding change: c.39044-14T>C on transcript NM_001267550.2 (MANE Select); 14 bases into the intron before coding-DNA position 39044, T replaced by C.
Molecular consequence: intron variant.
Genome position (GRCh38, 1-based): chr2:178,652,555, A>G on the plus strand (T>C on the coding strand, the complement: TTN is on the minus strand). VCF-style: chr2-178652555-A-G. GRCh37 (hg19) VCF-style: chr2-179517282-A-G.
Other names: c.13283-10238T>C (NM_003319.4); c.13859-10238T>C (NM_133437.4); c.13658-10238T>C (NM_133432.3); c.31742-14T>C (NM_133378.4); c.34523-14T>C (NM_001256850.1).
Identifiers: ClinVar variation 518161 (VCV000518161.6), dbSNP rs1177294449, ClinGen allele CA538436654.

ClinVar aggregate classification (germline): Likely benign. Review status: criteria provided, multiple submitters, no conflicts (2 of 4 stars). 2 submissions from 2 submitters: Likely benign (2). Last evaluated 2023-12-13.

Conditions:
Dilated cardiomyopathy 1G (CMD1G). Identifiers: Orphanet 154, MedGen C1858763, MONDO:0011400, OMIM 604145.
Autosomal recessive limb-girdle muscular dystrophy type 2J (LGMDR10). Also called: Limb-girdle muscular dystrophy, type 2J; MUSCULAR DYSTROPHY, LIMB-GIRDLE, AUTOSOMAL RECESSIVE 10. Identifiers: Orphanet 140922, MedGen C1837342, MONDO:0012127, OMIM 608807.

Allele frequency attached by ClinVar (database versions not stated): gnomAD 0.00001.
gnomAD v4.1: 1 of 1,612,978 alleles (0.000062%); highest among the groups gnomAD compares: Non-Finnish European, 0.000085%; no homozygotes.

Submissions (2):

Labcorp Genetics (formerly Invitae), Labcorp
Classification: Likely benign for Dilated cardiomyopathy 1G; Autosomal recessive limb-girdle muscular dystrophy type 2J. Last evaluated: 2023-12-13. Review status: criteria provided, single submitter. Criteria: Invitae Variant Classification Sherloc (09022015). Collection method: clinical testing. Allele origin: germline.

GeneDx
Classification: Likely benign. Last evaluated: 2017-06-16. Review status: criteria provided, single submitter. Criteria: GeneDx Variant Classification (06012015). Collection method: clinical testing. Allele origin: germline. Affected: yes.
Comment: This variant is considered likely benign or benign based on one or more of the following criteria: it is a conservative change, it occurs at a poorly conserved position in the protein, it is predicted to be benign by multiple in silico algorithms, and/or has population frequency not consistent with disease.